The following is an entry in ClinVar:

ClinVar aggregate classification (germline): Uncertain significance (1 of 4 stars; one submission).

Conditions:
Hereditary cancer-predisposing syndrome. Also called: Neoplastic Syndromes, Hereditary; Tumor predisposition; Hereditary neoplastic syndrome; Hereditary Cancer Syndrome. Identifiers: Orphanet 140162, MedGen C0027672, MeSH D009386, MONDO:0015356.

Submission:

Ambry Genetics
Classification: Uncertain significance for Hereditary cancer-predisposing syndrome. Last evaluated: 2026-08-16. Review status: criteria provided, single submitter. Criteria: Ambry Variant Classification Scheme 2023. Collection method: clinical testing. Allele origin: germline.
Comment: The p.L49F variant (also known as c.147G>T), located in coding exon 2 of the NF2 gene, results from a G to T substitution at nucleotide position 147. The leucine at codon 49 is replaced by phenylalanine, an amino acid with highly similar properties. This amino acid position is conserved. In addition, the in silico prediction for this alteration is inconclusive. Based on the available evidence, the clinical significance of this variant remains unclear.

NM_000268.4(NF2):c.147G>T (p.Leu49Phe)

Gene: NF2 (NF2, moesin-ezrin-radixin like (MERLIN) tumor suppressor; plus strand). Cytogenetic location: 22q12.2.
Variant type: single nucleotide variant.
Coding change: c.147G>T on transcript NM_000268.4 (MANE Select); coding-DNA position 147, G replaced by T.
Protein change: p.Leu49Phe; replaces leucine 49 with phenylalanine.
Molecular consequence: missense variant. On other transcripts: 5 prime UTR variant (2), intron variant (6).
Genome position (GRCh38, 1-based): chr22:29,636,783, G>T. VCF-style: chr22-29636783-G-T. GRCh37 (hg19) VCF-style: chr22-30032772-G-T.
Other names: c.147G>T, p.Leu49Phe (NM_001407062.1, NM_001407066.1, NM_016418.5 and 9 more transcripts); c.-494G>T (NM_001407065.1); c.-110G>T (NM_001407067.1); c.115-2307G>T (NM_181828.3, NM_001407055.1); c.115-5419G>T (NM_001407063.1, NM_181830.3, NM_001407064.1 and 1 more transcripts); c.33G>T, p.Leu11Phe (NM_001407053.1, NM_001407056.1); short protein forms L49F, L11F.
Identifiers: ClinVar variation 5025675 (VCV005025675.1).